The following is an entry in ClinVar:

ClinVar aggregate classification (germline): Uncertain significance (1 of 4 stars; one submission).

Conditions:
White-Kernohan syndrome. Also called: GLOBAL DEVELOPMENTAL DELAY, HYPOTONIA, AND CHARACTERISTIC FACIAL FEATURES. Identifiers: MedGen C5543635, MONDO:0859169, OMIM 619426.

Submission:

Neuberg Centre For Genomic Medicine, NCGM
Classification: Uncertain significance for White-Kernohan syndrome. Review status: criteria provided, single submitter. Criteria: ACMG Guidelines, 2015. Collection method: clinical testing. Allele origin: germline. Inheritance: Autosomal dominant inheritance. Affected: yes.
Comment: The observed missense c.2089A>G (p.Ser697Gly) variant in DDB1 gene has not been reported previously as a pathogenic variant nor as a benign variant, to our knowledge. The p.Ser697Gly variant is absent in gnomAD Exomes. This variant has not been submitted to the ClinVar database. Multiple lines of computational evidence (Polyphen - Benign, SIFT - Tolerated and MutationTaster - Disease causing) predicts conflicting evidence on protein structure and function for this variant. The reference amino acid at this position on DDB1 gene is predicted as conserved by GERP++ and PhyloP across 100 vertebrates. The amino acid Ser at position 697 is changed to a Gly changing protein sequence and it might alter its composition and physico-chemical properties. For these reasons, this variant has been classified as Variant of Uncertain Significance (VUS).

NM_001923.5(DDB1):c.2089A>G (p.Ser697Gly)

Gene: DDB1 (damage specific DNA binding protein 1; minus strand). Cytogenetic location: 11q12.2.
Variant type: single nucleotide variant.
Coding change: c.2089A>G on transcript NM_001923.5 (MANE Select); coding-DNA position 2089, A replaced by G.
Protein change: p.Ser697Gly; replaces serine 697 with glycine.
Molecular consequence: missense variant.
Genome position (GRCh38, 1-based): chr11:61,312,065, T>C on the plus strand (A>G on the coding strand, the complement: DDB1 is on the minus strand). VCF-style: chr11-61312065-T-C. GRCh37 (hg19) VCF-style: chr11-61079537-T-C.
Other names: short protein forms S697G.
Identifiers: ClinVar variation 3603301 (VCV003603301.1).